The following is an entry in ClinVar:

ClinVar aggregate classification (germline): Conflicting classifications of pathogenicity. Review status: criteria provided, conflicting classifications (1 of 4 stars). 6 submissions from 6 submitters: Uncertain significance (2); Likely benign (4). Last evaluated 2025-03-03.

Conditions:
Inborn genetic diseases. Identifiers: MedGen C0950123, MeSH D030342.

Allele frequency attached by ClinVar (database versions not stated): ExAC 0.00012; gnomAD 0.00012 and 0.00013; TOPMed 0.00012; gnomAD exomes 0.00014.
gnomAD v4.1: 224 of 1,614,042 alleles (0.014%); highest among the groups gnomAD compares: Middle Eastern, 0.25%; no homozygotes.

Submissions (6):

GeneDx
Classification: Uncertain significance. Last evaluated: 2025-03-03. Review status: criteria provided, single submitter. Criteria: GeneDx Variant Classification Process June 2021. Collection method: clinical testing. Allele origin: germline.
Comment: In silico analysis indicates that this missense variant does not alter protein structure/function; Has not been previously published as pathogenic or benign to our knowledge

Ambry Genetics
Classification: Likely benign for Inborn genetic diseases. Last evaluated: 2025-02-25. Review status: criteria provided, single submitter. Criteria: Ambry Variant Classification Scheme 2023. Collection method: clinical testing. Allele origin: germline.

Blueprint Genetics
Classification: Likely benign. Last evaluated: 2024-09-23. Review status: criteria provided, single submitter. Criteria: ACMG Guidelines, 2015. Collection method: clinical testing. Allele origin: germline.

Labcorp Genetics (formerly Invitae), Labcorp
Classification: Uncertain significance. Last evaluated: 2022-05-23. Review status: criteria provided, single submitter. Criteria: Invitae Variant Classification Sherloc (09022015). Collection method: clinical testing. Allele origin: germline.
Comment: This sequence change replaces arginine, which is basic and polar, with glutamine, which is neutral and polar, at codon 269 of the BSND protein (p.Arg269Gln). This variant is present in population databases (rs199832638, gnomAD 0.02%). This variant has not been reported in the literature in individuals affected with BSND-related conditions. ClinVar contains an entry for this variant (Variation ID: 504521). Algorithms developed to predict the effect of missense changes on protein structure and function output the following: SIFT: "Tolerated"; PolyPhen-2: "Benign"; Align-GVGD: "Class C0". The glutamine amino acid residue is found in multiple mammalian species, which suggests that this missense change does not adversely affect protein function. In summary, the available evidence is currently insufficient to determine the role of this variant in disease. Therefore, it has been classified as a Variant of Uncertain Significance.

Laboratory for Molecular Medicine, Mass General Brigham Personalized Medicine
Classification: Likely benign. Last evaluated: 2017-01-19. Review status: criteria provided, single submitter. Criteria: LMM Criteria. Collection method: clinical testing. Allele origin: germline. Observed: 1 variant allele.
Comment: p.Arg269Gln in exon 4 of BSND: This variant is not expected to have clinical sig nificance due to a lack of conservation across species, including mammals. Of no te, >10 mammals have a glutamine (Gln) at this position. In addition, computatio nal prediction tools do not suggest a high likelihood of impact to the protein. It has been identified in 10/66322 European chromosomes by the Exome Aggregation Consortium (ExAC; dbSNP rs199832638).

Breakthrough Genomics
Classification: Likely benign. Review status: criteria provided, single submitter. Criteria: ACMG Guidelines, 2015. Collection method: not provided. Allele origin: germline. Inheritance: Autosomal recessive inheritance. Affected: yes.

NM_057176.3(BSND):c.806G>A (p.Arg269Gln)

Gene: BSND (barttin CLCNK type accessory subunit beta; plus strand). Cytogenetic location: 1p32.3.
Variant type: single nucleotide variant.
Coding change: c.806G>A on transcript NM_057176.3 (MANE Select); coding-DNA position 806, G replaced by A.
Protein change: p.Arg269Gln; replaces arginine 269 with glutamine.
Molecular consequence: missense variant.
Genome position (GRCh38, 1-based): chr1:55,008,471, G>A. VCF-style: chr1-55008471-G-A. GRCh37 (hg19) VCF-style: chr1-55474144-G-A.
Other names: short protein forms R269Q.
Identifiers: ClinVar variation 504521 (VCV000504521.10), dbSNP rs199832638, ClinGen allele CA871425.
Genomic context (GRCh38, chr1:55,008,471, plus strand): 5'-TGGAGGATGAGCCCCAAGAGGGGCAGCAGTGGGAAATAGCCCTGCCCAACAACTGGCAGC[G>A]GTACCCAAGGACAAAGGTGGAGGAGAAGGAGGCTTCGGACACAGGTGGGGAGGAACCTGA-3'
Protein context (NP_476517.1, residues 259-279): WEIALPNNWQ[Arg269Gln]YPRTKVEEKE